The following is an entry in ClinVar:

ClinVar aggregate classification (germline): Uncertain significance. Review status: criteria provided, single submitter (1 of 4 stars). 2 submissions from 2 submitters: Uncertain significance (1). 1 of the submissions does not count toward it. Last evaluated 2024-06-04.

Conditions:
Juvenile retinoschisis (RS1). Also called: X-Linked Juvenile Retinoschisis; X-linked retinoschisis. Identifiers: Orphanet 792, MedGen C3714753, MONDO:0010725, OMIM 312700.

Submissions (2):

3billion
Classification: Uncertain significance for Juvenile retinoschisis. Last evaluated: 2024-06-04. Review status: criteria provided, single submitter. Criteria: ACMG Guidelines, 2015. Collection method: clinical testing. Allele origin: germline. Affected: yes.
Comment: The variant is not observed in the gnomAD v4.0.0 dataset. Predicted Consequence/Location: Missense variant In silico tool predictions suggest damaging effect of the variant on gene or gene product [REVEL: 0.92 (>=0.6, sensitivity 0.68 and specificity 0.92); 3Cnet: 0.95 (>=0.6, sensitivity 0.72 and precision 0.9)]. The same nucleotide change resulting in the same amino acid change has been previously reported to be associated with RS1 related disorder (PMID: 9618178). However, the evidence of pathogenicity is insufficient at this time. Therefore, this variant is classified as VUS according to the recommendation of ACMG/AMP guideline.

Retina International
No classification provided. Review status: no classification provided. Collection method: not provided. Allele origin: unknown. Not counted in ClinVar's aggregate classification.

Literature cited by the submitters: PubMed 9618178 (cited by 3billion).

NM_000330.4(RS1):c.464A>G (p.Tyr155Cys)

Genes: CDKL5 (cyclin dependent kinase like 5; plus strand), RS1 (retinoschisin 1; minus strand). Cytogenetic location: Xp22.13.
Variant type: single nucleotide variant.
Coding change: c.464A>G on transcript NM_000330.4 (MANE Select); coding-DNA position 464, A replaced by G.
Protein change: p.Tyr155Cys; replaces tyrosine 155 with cysteine.
Molecular consequence: missense variant. On other transcripts: intron variant (2).
Genome position (GRCh38, 1-based): chrX:18,644,488, T>C on the plus strand (A>G on the coding strand, the complement: RS1 is on the minus strand). VCF-style: chrX-18644488-T-C. GRCh37 (hg19) VCF-style: chrX-18662608-T-C.
Other names: c.2714-1519T>C (NM_003159.3, NM_001037343.2); short protein forms Y155C.
Identifiers: ClinVar variation 98968 (VCV000098968.4), dbSNP rs61753165, ClinGen allele CA226747.
Genomic context (GRCh38, chrX:18,644,488, plus strand): 5'-ACCCGGTTGTTTCCAGTCTGGTCCTTGTAGTAAATCCAGTTCAGGCGCTCATCGGTCCTG[T>C]ACTGCACGCTGTACTTGGTCATCCACTCATCGATGTCACAGCGCCCCTGGGTGAGGATCC-3'
Protein context (NP_000321.1, residues 145-165): DEWMTKYSVQ[Tyr155Cys]RTDERLNWIY